The following is an entry in ClinVar:

NM_021815.5(SLC5A7):c.914A>G (p.Tyr305Cys)

Gene: SLC5A7 (solute carrier family 5 member 7; plus strand). Cytogenetic location: 2q12.3.
Variant type: single nucleotide variant.
Coding change: c.914A>G on transcript NM_021815.5 (MANE Select); coding-DNA position 914, A replaced by G.
Protein change: p.Tyr305Cys; replaces tyrosine 305 with cysteine.
Molecular consequence: missense variant.
Genome position (GRCh38, 1-based): chr2:108,008,483, A>G. VCF-style: chr2-108008483-A-G. GRCh37 (hg19) VCF-style: chr2-108624939-A-G.
Other names: c.914A>G, p.Tyr305Cys (NM_001305005.3); c.599A>G, p.Tyr200Cys (NM_001305006.3); c.173A>G, p.Tyr58Cys (NM_001305007.3); short protein forms Y200C, Y58C, Y305C.
Identifiers: ClinVar variation 4782716 (VCV004782716.1).

ClinVar aggregate classification (germline): Uncertain significance (1 of 4 stars; one submission).

Conditions:
Congenital myasthenic syndrome 20. Also called: Myasthenic syndrome, congenital, 20, presynaptic. Identifiers: MedGen C4310694, MONDO:0014939, OMIM 617143.
Neuronopathy, distal hereditary motor, type 7A. Also called: Neuronopathy, distal hereditary motor, type viia; NEURONOPATHY, DISTAL HEREDITARY MOTOR, HARDING TYPE VIIA; NEUROPATHY, DISTAL HEREDITARY MOTOR, HARDING TYPE VIIA; Neuronopathy, distal hereditary motor, autosomal dominant 7; HARPER-YOUNG MYOPATHY; HMN VIIA. Identifiers: Orphanet 139589, MedGen C1834703, MONDO:0008024, OMIM 158580.

Submission:

Labcorp Genetics (formerly Invitae), Labcorp
Classification: Uncertain significance for Neuronopathy, distal hereditary motor, type 7A; Congenital myasthenic syndrome 20. Last evaluated: 2025-04-21. Review status: criteria provided, single submitter. Criteria: Invitae Variant Classification Sherloc (09022015). Collection method: clinical testing. Allele origin: germline.
Comment: This sequence change replaces tyrosine, which is neutral and polar, with cysteine, which is neutral and slightly polar, at codon 305 of the SLC5A7 protein (p.Tyr305Cys). This variant is not present in population databases (gnomAD no frequency). This variant has not been reported in the literature in individuals affected with SLC5A7-related conditions. Invitae Evidence Modeling of protein sequence and biophysical properties (such as structural, functional, and spatial information, amino acid conservation, physicochemical variation, residue mobility, and thermodynamic stability) indicates that this missense variant is expected to disrupt SLC5A7 protein function with a positive predictive value of 80%. In summary, the available evidence is currently insufficient to determine the role of this variant in disease. Therefore, it has been classified as a Variant of Uncertain Significance.